The following is an entry in ClinVar:

ClinVar aggregate classification (germline): Pathogenic (1 of 4 stars; one submission).

Conditions:
Hereditary breast ovarian cancer syndrome. Also called: Hereditary breast and ovarian cancer syndrome; Hereditary breast and/or ovarian cancer syndrome; Hereditary breast and ovarian cancer syndrome (HBOC); Hereditary breast and ovarian cancer; Breast and ovarian cancer; BRCA1- and BRCA2-Associated Hereditary Breast and Ovarian Cancer. Identifiers: Orphanet 145, MedGen C0677776, MeSH D061325, MONDO:0003582. Disease mechanism: loss of function.

Submission:

Women's Health and Genetics/Laboratory Corporation of America, LabCorp
Classification: Pathogenic for Hereditary breast ovarian cancer syndrome. Last evaluated: 2021-10-11. Review status: criteria provided, single submitter. Criteria: LabCorp Variant Classification Summary - May 2015. Collection method: clinical testing. Allele origin: germline.
Comment: Variant summary: The variant identified by MLPA or other technology involves the deletion of exon 15-16 (legacy name: exon 16-17 del) in the BRCA1 gene. A presumed nomenclature of c.(4675+1_4676-1)_(5074+1_5075-1)del has been designated for the purposes of this classification. Although exact breakpoints of this deletion are not known, this deletion is expected to result in an in-frame deletion in the BRCA1 gene. The variant was not detected in 21500 controls in the gnomAD structural variants database. The variant, c.(4675+1_4676-1)_(5074+1_5075-1)del, has been reported in the literature in multiple individuals and families affected with Hereditary Breast and Ovarian Cancer (e.g. Carvalho_2009, Judkins_2012, Rebbeck_2018). At least one publication reported experimental evidence, and demonstrated that this deletion produces stable mRNA lacking exons 15 and 16, resulting in the loss of BRCA1 transcriptional activation protein function (Carvalho_2009). Two ClinVar submitters have provided clinical-significance assessments for this variant in ClinVar after 2014, and both of them classified the variant as pathogenic. Based on the evidence outlined above, the variant was classified as pathogenic.

Literature cited by the submitters: PubMed 18992264; PubMed 22544547; PubMed 29446198.

NC_000017.11:g.(43063952_43067607)_(43071239_43074330)del

Gene: BRCA1 (BRCA1 DNA repair associated; minus strand). Cytogenetic location: 17q21.31.
Variant type: Deletion.
Identifiers: ClinVar variation 981998 (VCV000981998.2).